The following is an entry in ClinVar:

ClinVar aggregate classification (germline): Likely pathogenic. Review status: criteria provided, multiple submitters, no conflicts (2 of 4 stars). 4 submissions from 4 submitters: Likely pathogenic (4). Last evaluated 2023-10-26.

Conditions:
Retinitis pigmentosa 39 (RP39). Identifiers: Orphanet 791, MedGen C3151138, MONDO:0013436, OMIM 613809.
Usher syndrome type 2A. Also called: RETINAL DISEASE IN USHER SYNDROME TYPE IIA, MODIFIER OF; USHER SYNDROME, TYPE IIA. Identifiers: Orphanet 231178, Orphanet 886, MedGen C1848634, MONDO:0010169, OMIM 276901.

Allele frequency attached by ClinVar (database versions not stated): gnomAD exomes below 0.00001.
gnomAD v4.1: 2 of 1,613,364 alleles (0.00012%); highest among the groups gnomAD compares: Non-Finnish European, 0.00017%; no homozygotes.

Submissions (4):

Labcorp Genetics (formerly Invitae), Labcorp
Classification: Likely pathogenic. Last evaluated: 2023-10-26. Review status: criteria provided, single submitter. Criteria: Invitae Variant Classification Sherloc (09022015). Collection method: clinical testing. Allele origin: germline.
Comment: This sequence change affects an acceptor splice site in intron 40 of the USH2A gene. It is expected to disrupt RNA splicing. Variants that disrupt the donor or acceptor splice site typically lead to a loss of protein function (PMID: 16199547), and loss-of-function variants in USH2A are known to be pathogenic (PMID: 10729113, 10909849, 20507924, 25649381). This variant is present in population databases (no rsID available, gnomAD 0.0009%). This variant has not been reported in the literature in individuals affected with USH2A-related conditions. ClinVar contains an entry for this variant (Variation ID: 421305). Algorithms developed to predict the effect of sequence changes on RNA splicing suggest that this variant may disrupt the consensus splice site. In summary, the currently available evidence indicates that the variant is pathogenic, but additional data are needed to prove that conclusively. Therefore, this variant has been classified as Likely Pathogenic.

Genome-Nilou Lab
Classification: Likely pathogenic for Usher syndrome type 2A. Last evaluated: 2023-04-11. Review status: criteria provided, single submitter. Criteria: ACMG Guidelines, 2015. Collection method: clinical testing. Allele origin: germline. Affected: no.

Baylor Genetics
Classification: Likely pathogenic for Retinitis pigmentosa 39. Last evaluated: 2022-05-31. Review status: criteria provided, single submitter. Criteria: ACMG Guidelines, 2015. Collection method: clinical testing. Allele origin: unknown.

GeneDx
Classification: Likely pathogenic. Last evaluated: 2016-05-21. Review status: criteria provided, single submitter. Criteria: GeneDx Variant Classification (06012015). Collection method: clinical testing. Allele origin: germline. Affected: yes.
Comment: The c.7595-2A>G variant in the USH2A gene has not been reported previously as a pathogenic variant nor as a benign variant, to our knowledge. This splice site variant destroys the canonical splice acceptor site in intron 40. It is predicted to cause abnormal gene splicing, either leading to an abnormal message that is subject to nonsense-mediated mRNA decay, or to an abnormal protein product if the message is used for protein translation. The c.7595-2A>G variant was not observed in approximately 6500 individuals of European and African American ancestry in the NHLBI Exome Sequencing Project, indicating it is not a common benign variant in these populations. The c.7595-2A>G variant is a strong candidate for a pathogenic variant, however the possibility it may be a rare benign variant cannot be excluded.

Literature cited by the submitters: PubMed 16199547 (cited by Labcorp Genetics (formerly Invitae), Labcorp); PubMed 10729113 (cited by Labcorp Genetics (formerly Invitae), Labcorp); PubMed 10909849 (cited by Labcorp Genetics (formerly Invitae), Labcorp); PubMed 20507924 (cited by Labcorp Genetics (formerly Invitae), Labcorp); PubMed 25649381 (cited by Labcorp Genetics (formerly Invitae), Labcorp).

NM_206933.4(USH2A):c.7595-2A>G

Gene: USH2A (usherin; minus strand). Cytogenetic location: 1q41.
Variant type: single nucleotide variant.
Coding change: c.7595-2A>G on transcript NM_206933.4 (MANE Select); the canonical splice acceptor site of the intron before coding-DNA position 7595, A replaced by G.
Molecular consequence: splice acceptor variant.
Genome position (GRCh38, 1-based): chr1:215,889,056, T>C on the plus strand (A>G on the coding strand, the complement: USH2A is on the minus strand). VCF-style: chr1-215889056-T-C. GRCh37 (hg19) VCF-style: chr1-216062398-T-C.
Identifiers: ClinVar variation 421305 (VCV000421305.9), dbSNP rs1064795047, ClinGen allele CA16617057.